The following is an entry in ClinVar:

NM_001127644.2(GABRA1):c.1145G>A (p.Gly382Asp)

Gene: GABRA1 (gamma-aminobutyric acid type A receptor subunit alpha1; plus strand). Cytogenetic location: 5q34.
Variant type: single nucleotide variant.
Coding change: c.1145G>A on transcript NM_001127644.2 (MANE Select); coding-DNA position 1145, G replaced by A.
Protein change: p.Gly382Asp; replaces glycine 382 with aspartic acid.
Molecular consequence: missense variant.
Genome position (GRCh38, 1-based): chr5:161,897,196, G>A. VCF-style: chr5-161897196-G-A. GRCh37 (hg19) VCF-style: chr5-161324202-G-A.
Other names: c.1145G>A, p.Gly382Asp (NM_000806.5, NM_001127643.2, NM_001127645.2 and 1 more transcripts); short protein forms G382D.
Identifiers: ClinVar variation 2947697 (VCV002947697.3), dbSNP rs2532295894, ClinGen allele CA362180750.

ClinVar aggregate classification (germline): Uncertain significance (1 of 4 stars; one submission).

Conditions:
Idiopathic generalized epilepsy. Also called: EIG; Generalised epilepsy. Identifiers: MedGen C0270850, MONDO:0005579, OMIM 600669.
Epilepsy, idiopathic generalized, susceptibility to, 13. Also called: EPILEPSY, JUVENILE MYOCLONIC, SUSCEPTIBILITY TO, 5. Identifiers: Orphanet 307, Orphanet 64280, MedGen C4013473, MONDO:0012627, OMIM 611136.
Epilepsy, childhood absence 4 (ECA4). Also called: EPILEPSY, CHILDHOOD ABSENCE, SUSCEPTIBILITY TO, 4. Identifiers: Orphanet 307, MedGen C1970160.

Submission:

Labcorp Genetics (formerly Invitae), Labcorp
Classification: Uncertain significance for Epilepsy, childhood absence 4; Epilepsy, idiopathic generalized, susceptibility to, 13; Idiopathic generalized epilepsy. Last evaluated: 2023-08-27. Review status: criteria provided, single submitter. Criteria: Invitae Variant Classification Sherloc (09022015). Collection method: clinical testing. Allele origin: germline.
Comment: This sequence change replaces glycine, which is neutral and non-polar, with aspartic acid, which is acidic and polar, at codon 382 of the GABRA1 protein (p.Gly382Asp). This variant is not present in population databases (gnomAD no frequency). This variant has not been reported in the literature in individuals affected with GABRA1-related conditions. Advanced modeling of protein sequence and biophysical properties (such as structural, functional, and spatial information, amino acid conservation, physicochemical variation, residue mobility, and thermodynamic stability) performed at Invitae indicates that this missense variant is not expected to disrupt GABRA1 protein function. In summary, the available evidence is currently insufficient to determine the role of this variant in disease. Therefore, it has been classified as a Variant of Uncertain Significance.